The following is an entry in ClinVar:

NM_014402.5(UQCRQ):c.156G>A (p.Gln52=)

Gene: UQCRQ (ubiquinol-cytochrome c reductase complex III subunit VII; plus strand). Cytogenetic location: 5q31.1.
Variant type: single nucleotide variant.
Coding change: c.156G>A on transcript NM_014402.5 (MANE Select); coding-DNA position 156, G replaced by A.
Protein change: p.Gln52=; no amino-acid change (glutamine 52 retained).
Molecular consequence: synonymous variant.
Genome position (GRCh38, 1-based): chr5:132,867,489, G>A. VCF-style: chr5-132867489-G-A. GRCh37 (hg19) VCF-style: chr5-132203181-G-A.
Identifiers: ClinVar variation 513951 (VCV000513951.1), dbSNP rs781276242, ClinGen allele CA3408491.

ClinVar aggregate classification (germline): Likely benign (1 of 4 stars; one submission).

Allele frequency attached by ClinVar (database versions not stated): gnomAD exomes 0.00002 and 0.00004; TOPMed 0.00004; ExAC 0.00005.

Submission:

GeneDx
Classification: Likely benign. Last evaluated: 2017-12-22. Review status: criteria provided, single submitter. Criteria: GeneDx Variant Classification (06012015). Collection method: clinical testing. Allele origin: germline. Affected: yes.
Comment: This variant is considered likely benign or benign based on one or more of the following criteria: it is a conservative change, it occurs at a poorly conserved position in the protein, it is predicted to be benign by multiple in silico algorithms, and/or has population frequency not consistent with disease.